The following is an entry in ClinVar:

ClinVar aggregate classification (germline): Pathogenic. Review status: criteria provided, multiple submitters, no conflicts (2 of 4 stars). 4 submissions from 4 submitters: Pathogenic (3). 1 of the submissions does not count toward it. Last evaluated 2025-08-07.

Conditions:
Asphyxiating thoracic dystrophy 3. Also called: SHORT-RIB THORACIC DYSPLASIA 3 WITH OR WITHOUT POLYDACTYLY; POLYDACTYLY WITH NEONATAL CHONDRODYSTROPHY, TYPE I; SHORT-RIB THORACIC DYSPLASIA 3/6 WITH POLYDACTYLY, DIGENIC; Short rib polydactyly syndrome 2B; Saldino-Noonan Syndrome. Identifiers: Orphanet 474, Orphanet 93269, Orphanet 93270, Orphanet 93271, MedGen C0036069, MONDO:0013127, OMIM 613091.
Jeune thoracic dystrophy. Also called: Jeune syndrome; Infantile thoracic dystrophy; Thoracic pelvic phalangeal dystrophy; Jeune's syndrome; Chondroectodermal dysplasia-like syndrome; Short-rib thoracic dysplasia. Identifiers: Orphanet 474, MedGen C0265275, MONDO:0018770.
DYNC2H1-related disorder. Also called: DYNC2H1-related condition; DYNC2H1-related disorders. Identifiers: MedGen CN378770.

Allele frequency attached by ClinVar (database versions not stated): gnomAD exomes below 0.00001; TOPMed 0.00001.
gnomAD v4.1: 6 of 1,597,764 alleles (0.00038%); highest among the groups gnomAD compares: East Asian, 0.0022%; no homozygotes.

Submissions (4):

3billion
Classification: Pathogenic for Asphyxiating thoracic dystrophy 3. Last evaluated: 2025-08-07. Review status: criteria provided, single submitter. Criteria: ACMG Guidelines, 2015. Collection method: clinical testing. Allele origin: germline. Affected: yes.
Comment: The variant is observed at an extremely low frequency in the gnomAD v4.1.0 dataset (total allele frequency: <0.001%). Predicted Consequence/Location: Stop-gained (nonsense): predicted to result in a loss or disruption of normal protein function through nonsense-mediated decay (NMD) or protein truncation. Multiple pathogenic variants are reported downstream of the variant. The variant has been reported to be associated with DYNC2H1-related disorder (ClinVar ID: VCV002905294 /PMID: 33875766). Therefore, this variant is classified as Pathogenic according to the recommendation of ACMG/AMP guideline.

Myriad Genetics, Inc.
Classification: Pathogenic for Asphyxiating thoracic dystrophy 3. Last evaluated: 2024-10-09. Review status: criteria provided, single submitter. Criteria: Myriad Autosomal Dominant, Autosomal Recessive and X-Linked Classification Criteria (2023). Collection method: clinical testing. Allele origin: unknown.
Comment: NM_001377.2(DYNC2H1):c.1366C>T(R456*) is expected to be pathogenic in the context of DYNC2H1-related disorders. This variant is predicted to lead to an abnormal or absent protein product due to the creation of a premature termination codon in DYNC2H1, a gene where loss-of-function variants are known to be pathogenic. Please note: this variant was assessed in the context of healthy population screening.

Labcorp Genetics (formerly Invitae), Labcorp
Classification: Pathogenic for Jeune thoracic dystrophy. Last evaluated: 2024-05-18. Review status: criteria provided, single submitter. Criteria: Invitae Variant Classification Sherloc (09022015). Collection method: clinical testing. Allele origin: germline.
Comment: This sequence change creates a premature translational stop signal (p.Arg456*) in the DYNC2H1 gene. It is expected to result in an absent or disrupted protein product. Loss-of-function variants in DYNC2H1 are known to be pathogenic (PMID: 23339108, 32753734, 33755199). This variant is present in population databases (no rsID available, gnomAD 0.006%). This premature translational stop signal has been observed in individual(s) with clinical features of DYNC2H1-related conditions (PMID: 33875766). For these reasons, this variant has been classified as Pathogenic.

PreventionGenetics, part of Exact Sciences
Classification: Likely pathogenic for DYNC2H1-related condition. Last evaluated: 2024-03-28. Review status: no assertion criteria provided. Collection method: clinical testing. Allele origin: germline. Not counted in ClinVar's aggregate classification.
Comment: The DYNC2H1 c.1366C>T variant is predicted to result in premature protein termination (p.Arg456*). This variant was reported in an individual with asphyxiating thoracic dystrophy who also carried three additional missense variants on the opposite allele (Patient 12, Hammarsjö et al. 2021. PubMed ID: 33875766). This variant is reported in 0.0059% of alleles in individuals of East Asian descent in gnomAD. Nonsense variants in DYNC2H1 are expected to be pathogenic. This variant is interpreted as likely pathogenic.

Literature cited by the submitters: PubMed 33875766 (cited by 3billion and Labcorp Genetics (formerly Invitae), Labcorp); PubMed 23339108 (cited by Labcorp Genetics (formerly Invitae), Labcorp); PubMed 32753734 (cited by Labcorp Genetics (formerly Invitae), Labcorp); PubMed 33755199 (cited by Labcorp Genetics (formerly Invitae), Labcorp).

NM_001377.3(DYNC2H1):c.1366C>T (p.Arg456Ter)

Gene: DYNC2H1 (dynein cytoplasmic 2 heavy chain 1; plus strand). Cytogenetic location: 11q22.3.
Variant type: single nucleotide variant.
Coding change: c.1366C>T on transcript NM_001377.3 (MANE Select); coding-DNA position 1366, C replaced by T.
Protein change: p.Arg456Ter; replaces arginine 456 with a stop codon.
Molecular consequence: nonsense.
Genome position (GRCh38, 1-based): chr11:103,121,377, C>T. VCF-style: chr11-103121377-C-T. GRCh37 (hg19) VCF-style: chr11-102992106-C-T.
Other names: c.1366C>T, p.Arg456Ter (NM_001080463.2); c.1366C>T (NM_001080463.1); short protein forms R456*.
Identifiers: ClinVar variation 2905294 (VCV002905294.8), dbSNP rs867798254, ClinGen allele CA227401674.